The following is an entry in ClinVar:

ClinVar aggregate classification (germline): Uncertain significance (1 of 4 stars; one submission).

Submission:

Ambry Genetics
Classification: Uncertain significance. Last evaluated: 2021-09-01. Review status: criteria provided, single submitter. Criteria: Ambry Variant Classification Scheme 2023. Collection method: clinical testing. Allele origin: germline.
Comment: The p.D182V variant (also known as c.545A>T), located in coding exon 6 of the NPAT gene, results from an A to T substitution at nucleotide position 545. The aspartic acid at codon 182 is replaced by valine, an amino acid with highly dissimilar properties. This amino acid position is conserved. In addition, this alteration is predicted to be tolerated by in silico analysis. Since supporting evidence is limited at this time, the clinical significance of this alteration remains unclear.

NM_002519.3(NPAT):c.545A>T (p.Asp182Val)

Gene: NPAT (nuclear protein, coactivator of histone transcription; minus strand). Cytogenetic location: 11q22.3.
Variant type: single nucleotide variant.
Coding change: c.545A>T on transcript NM_002519.3 (MANE Select); coding-DNA position 545, A replaced by T.
Protein change: p.Asp182Val; replaces aspartic acid 182 with valine.
Molecular consequence: missense variant.
Genome position (GRCh38, 1-based): chr11:108,189,117, T>A on the plus strand (A>T on the coding strand, the complement: NPAT is on the minus strand). VCF-style: chr11-108189117-T-A. GRCh37 (hg19) VCF-style: chr11-108059844-T-A.
Other names: c.545A>T, p.Asp182Val (NM_001321307.1); short protein forms D182V.
Identifiers: ClinVar variation 1747651 (VCV001747651.2), dbSNP rs2496745237, ClinGen allele CA382524014.